The following is an entry in ClinVar:

ClinVar aggregate classification (germline): Conflicting classifications of pathogenicity. Review status: criteria provided, conflicting classifications (1 of 4 stars). 3 submissions from 3 submitters: Uncertain significance (2); Likely benign (1). Last evaluated 2025-04-25.

Conditions:
Hereditary cancer-predisposing syndrome. Also called: Hereditary Cancer Syndrome; Neoplastic Syndromes, Hereditary; Hereditary neoplastic syndrome; Tumor predisposition. Identifiers: Orphanet 140162, MedGen C0027672, MeSH D009386, MONDO:0015356.
Hereditary breast ovarian cancer syndrome. Also called: Hereditary breast and/or ovarian cancer syndrome; Hereditary breast and ovarian cancer syndrome; BRCA1- and BRCA2-Associated Hereditary Breast and Ovarian Cancer; Breast and ovarian cancer; Hereditary breast and ovarian cancer; Hereditary breast and ovarian cancer syndrome (HBOC). Identifiers: Orphanet 145, MedGen C0677776, MeSH D061325, MONDO:0003582. Disease mechanism: loss of function.

Submissions (3):

Ambry Genetics
Classification: Uncertain significance for Hereditary cancer-predisposing syndrome. Last evaluated: 2025-04-25. Review status: criteria provided, single submitter. Criteria: Ambry Variant Classification Scheme 2023. Collection method: clinical testing. Allele origin: germline.
Comment: The p.R296T variant (also known as c.887G>C), located in coding exon 9 of the BRCA1 gene, results from a G to C substitution at nucleotide position 887. The arginine at codon 296 is replaced by threonine, an amino acid with similar properties. This amino acid position is well conserved in available vertebrate species. In addition, the in silico prediction for this alteration is inconclusive. Based on the available evidence, the clinical significance of this variant remains unclear.

Labcorp Genetics (formerly Invitae), Labcorp
Classification: Uncertain significance for Hereditary breast ovarian cancer syndrome. Last evaluated: 2025-01-06. Review status: criteria provided, single submitter. Criteria: Invitae Variant Classification Sherloc (09022015). Collection method: clinical testing. Allele origin: germline.
Comment: This sequence change replaces arginine, which is basic and polar, with threonine, which is neutral and polar, at codon 296 of the BRCA1 protein (p.Arg296Thr). This variant is not present in population databases (gnomAD no frequency). This variant has not been reported in the literature in individuals affected with BRCA1-related conditions. ClinVar contains an entry for this variant (Variation ID: 2017000). Invitae Evidence Modeling of protein sequence and biophysical properties (such as structural, functional, and spatial information, amino acid conservation, physicochemical variation, residue mobility, and thermodynamic stability) indicates that this missense variant is not expected to disrupt BRCA1 protein function with a negative predictive value of 80%. In summary, the available evidence is currently insufficient to determine the role of this variant in disease. Therefore, it has been classified as a Variant of Uncertain Significance.

University of Washington Department of Laboratory Medicine, University of Washington
Classification: Likely benign for Hereditary cancer-predisposing syndrome. Last evaluated: 2023-03-23. Review status: criteria provided, single submitter. Criteria: Dines et al. (Genet Med. 2020). Collection method: curation. Allele origin: germline.
Comment: Missense variant in a coldspot region where missense variants are very unlikely to be pathogenic (PMID:31911673).

BRCA1 coldspot (exon 11 using historical exon numbering). Reclassification based on statistical prior probability

NM_007294.4(BRCA1):c.887G>C (p.Arg296Thr)

Gene: BRCA1 (BRCA1 DNA repair associated; minus strand). Cytogenetic location: 17q21.31.
Variant type: single nucleotide variant.
Coding change: c.887G>C on transcript NM_007294.4 (MANE Select); coding-DNA position 887, G replaced by C.
Protein change: p.Arg296Thr; replaces arginine 296 with threonine.
Molecular consequence: missense variant. On other transcripts: 5 prime UTR variant (2), intron variant (137).
Genome position (GRCh38, 1-based): chr17:43,094,644, C>G on the plus strand (G>C on the coding strand, the complement: BRCA1 is on the minus strand). VCF-style: chr17-43094644-C-G. GRCh37 (hg19) VCF-style: chr17-41246661-C-G.
Other names: c.674G>C, p.Arg225Thr (NM_001407571.1, NM_001407853.1, NM_001407894.1 and 9 more transcripts); c.887G>C, p.Arg296Thr (NM_001407581.1, NM_001407582.1, NM_001407583.1 and 30 more transcripts); c.884G>C, p.Arg295Thr (NM_001407587.1, NM_001407590.1, NM_001407591.1 and 22 more transcripts); c.878G>C, p.Arg293Thr (NM_001407646.1, NM_001407647.1); c.764G>C, p.Arg255Thr (NM_001407648.1, NM_001407664.1, NM_001407665.1 and 19 more transcripts); c.761G>C, p.Arg254Thr (NM_001407649.1, NM_001407670.1, NM_001407671.1 and 11 more transcripts); c.809G>C, p.Arg270Thr (NM_001407653.1, NM_001407654.1, NM_001407655.1 and 4 more transcripts); c.806G>C, p.Arg269Thr (NM_001407659.1, NM_001407660.1, NM_001407661.1 and 1 more transcripts); and 40 more; short protein forms R168T, R169T, R184T, R225T, R228T, R248T, R249T, R293T.
Identifiers: ClinVar variation 2017000 (VCV002017000.7), dbSNP rs2154487072, ClinGen allele CA10600301.
Genomic context (GRCh38, chr17:43,094,644, plus strand): 5'-CTCCTTGCTAAGCCAGGCTGTTTGCTTTTATTACAGAATTCAGCCTTTTCTACATTCATT[C>G]TGTCTTTAGTGAGTAATAAACTGCTGTTCTCATGCTGTAATGAGCTGGCATGAGTATTTG-3'
Protein context (NP_009225.1, residues 286-306): ENSSLLLTKD[Arg296Thr]MNVEKAEFCN